The following is an entry in ClinVar:

NM_006231.4(POLE):c.346G>A (p.Val116Ile)

Gene: POLE (DNA polymerase epsilon, catalytic subunit; minus strand). Cytogenetic location: 12q24.33.
Variant type: single nucleotide variant.
Coding change: c.346G>A on transcript NM_006231.4 (MANE Select); coding-DNA position 346, G replaced by A.
Protein change: p.Val116Ile; replaces valine 116 with isoleucine.
Molecular consequence: missense variant.
Genome position (GRCh38, 1-based): chr12:132,680,031, C>T on the plus strand (G>A on the coding strand, the complement: POLE is on the minus strand). VCF-style: chr12-132680031-C-T. GRCh37 (hg19) VCF-style: chr12-133256617-C-T.
Other names: short protein forms V116I.
Identifiers: ClinVar variation 651766 (VCV000651766.14), dbSNP rs1593086019, ClinGen allele CA387368313.
Genomic context (GRCh38, chr12:132,680,031, plus strand): 5'-TGGGGACAGTCTCCACTTTTGCAATTTTGCCCTGAAACTTCTTGGAGAGAAAAGATGAAA[C>T]TTCTCGCTCACAACCCTAATCAGGATCAGAATGAAAAGGCTTTCCATTGGTAAAATACAT-3'
Protein context (NP_006222.2, residues 106-126): IATRKGCERE[Val116Ile]SSFLSKKFQG

ClinVar aggregate classification (germline): Uncertain significance. Review status: criteria provided, multiple submitters, no conflicts (2 of 4 stars). 3 submissions from 3 submitters: Uncertain significance (3). Last evaluated 2024-06-05.

Conditions:
Hereditary cancer-predisposing syndrome. Also called: Neoplastic Syndromes, Hereditary; Tumor predisposition; Hereditary Cancer Syndrome; Hereditary neoplastic syndrome. Identifiers: Orphanet 140162, MedGen C0027672, MeSH D009386, MONDO:0015356.

Allele frequency attached by ClinVar (database versions not stated): gnomAD exomes below 0.00001; gnomAD 0.00001; TOPMed 0.00001.
gnomAD v4.1: 2 of 1,613,804 alleles (0.00012%); highest among the groups gnomAD compares: African/African-American, 0.0013%; no homozygotes.

Submissions (3):

GeneDx
Classification: Uncertain significance. Last evaluated: 2024-06-05. Review status: criteria provided, single submitter. Criteria: GeneDx Variant Classification Process June 2021. Collection method: clinical testing. Allele origin: germline. Affected: yes.
Comment: In silico analysis suggests this variant may impact gene splicing. In the absence of RNA/functional studies, the actual effect of this sequence change is unknown.; In silico analysis indicates that this missense variant does not alter protein structure/function; Not observed at significant frequency in large population cohorts (gnomAD); Has not been previously published as pathogenic or benign to our knowledge

Labcorp Genetics (formerly Invitae), Labcorp
Classification: Uncertain significance. Last evaluated: 2023-11-27. Review status: criteria provided, single submitter. Criteria: Invitae Variant Classification Sherloc (09022015). Collection method: clinical testing. Allele origin: germline.
Comment: This sequence change replaces valine, which is neutral and non-polar, with isoleucine, which is neutral and non-polar, at codon 116 of the POLE protein (p.Val116Ile). This variant is not present in population databases (gnomAD no frequency). This variant has not been reported in the literature in individuals affected with POLE-related conditions. ClinVar contains an entry for this variant (Variation ID: 651766). Advanced modeling of protein sequence and biophysical properties (such as structural, functional, and spatial information, amino acid conservation, physicochemical variation, residue mobility, and thermodynamic stability) performed at Invitae indicates that this missense variant is not expected to disrupt POLE protein function with a negative predictive value of 80%. RNA analysis performed to evaluate the impact of this missense change on mRNA splicing indicates it does not significantly alter splicing (Invitae). In summary, the available evidence is currently insufficient to determine the role of this variant in disease. Therefore, it has been classified as a Variant of Uncertain Significance.

Ambry Genetics
Classification: Uncertain significance for Hereditary cancer-predisposing syndrome. Last evaluated: 2023-09-13. Review status: criteria provided, single submitter. Criteria: Ambry Variant Classification Scheme 2023. Collection method: clinical testing. Allele origin: germline.
Comment: The p.V116I variant (also known as c.346G>A), located in coding exon 5 of the POLE gene, results from a G to A substitution at nucleotide position 346. The valine at codon 116 is replaced by isoleucine, an amino acid with highly similar properties. This amino acid position is conserved. In addition, this alteration is predicted to be tolerated by in silico analysis. Since supporting evidence is limited at this time, the clinical significance of this alteration remains unclear.